The following is an entry in ClinVar:

ClinVar aggregate classification (germline): Uncertain significance. Review status: criteria provided, multiple submitters, no conflicts (2 of 4 stars). 2 submissions from 2 submitters: Uncertain significance (2). Last evaluated 2025-08-03.

Allele frequency attached by ClinVar (database versions not stated): gnomAD exomes 0.00003 and 0.00004; ExAC 0.00006; TOPMed 0.00015; ESP Exome Variant Server 0.00016; gnomAD 0.00019 and 0.00021.
gnomAD v4.1: 95 of 1,612,424 alleles (0.0059%); highest among the groups gnomAD compares: African/African-American, 0.087%; 1 homozygote.

Submissions (2):

Labcorp Genetics (formerly Invitae), Labcorp
Classification: Uncertain significance. Last evaluated: 2025-08-03. Review status: criteria provided, single submitter. Criteria: Invitae Variant Classification Sherloc (09022015). Collection method: clinical testing. Allele origin: germline.
Comment: This sequence change replaces glutamine, which is neutral and polar, with arginine, which is basic and polar, at codon 688 of the GPR179 protein (p.Gln688Arg). This variant is present in population databases (rs113259531, gnomAD 0.06%). This variant has not been reported in the literature in individuals affected with GPR179-related conditions. ClinVar contains an entry for this variant (Variation ID: 1059578). An algorithm developed to predict the effect of missense changes on protein structure and function (PolyPhen-2) suggests that this variant is likely to be disruptive. In summary, the available evidence is currently insufficient to determine the role of this variant in disease. Therefore, it has been classified as a Variant of Uncertain Significance.

Blueprint Genetics
Classification: Uncertain significance. Last evaluated: 2021-09-06. Review status: criteria provided, single submitter. Criteria: ACMG Guidelines, 2015. Collection method: clinical testing. Allele origin: germline.

NM_001004334.4(GPR179):c.2063A>G (p.Gln688Arg)

Gene: GPR179 (G protein-coupled receptor 179; minus strand). Cytogenetic location: 17q12.
Variant type: single nucleotide variant.
Coding change: c.2063A>G on transcript NM_001004334.4 (MANE Select); coding-DNA position 2063, A replaced by G.
Protein change: p.Gln688Arg; replaces glutamine 688 with arginine.
Molecular consequence: missense variant.
Genome position (GRCh38, 1-based): chr17:38,331,506, T>C on the plus strand (A>G on the coding strand, the complement: GPR179 is on the minus strand). VCF-style: chr17-38331506-T-C. GRCh37 (hg19) VCF-style: chr17-36487389-T-C.
Other names: short protein forms Q688R.
Identifiers: ClinVar variation 1059578 (VCV001059578.8), dbSNP rs113259531, ClinGen allele CA290106151.